The following is an entry in ClinVar:

NM_004006.3(DMD):c.612A>G (p.Arg204=)

Gene: DMD (dystrophin; minus strand). Cytogenetic location: Xp21.1.
Variant type: single nucleotide variant.
Coding change: c.612A>G on transcript NM_004006.3 (MANE Select); coding-DNA position 612, A replaced by G.
Protein change: p.Arg204=; no amino-acid change (arginine 204 retained).
Molecular consequence: synonymous variant.
Genome position (GRCh38, 1-based): chrX:32,809,530, T>C on the plus strand (A>G on the coding strand, the complement: DMD is on the minus strand). VCF-style: chrX-32809530-T-C. GRCh37 (hg19) VCF-style: chrX-32827647-T-C.
Other names: c.612A>G (NM_004006.2); c.588A>G, p.Arg196= (NM_000109.4); c.600A>G, p.Arg200= (NM_004009.3); c.243A>G, p.Arg81= (NM_004010.3).
Identifiers: ClinVar variation 1008130 (VCV001008130.14), dbSNP rs2077190196, ClinGen allele CA515865955.
Genomic context (GRCh38, chrX:32,809,530, plus strand): 5'-TGGTAGTCCAGAAATTTACCAACCTTCAGGATCGAGTAGTTTCTCTATGCCTAATTGATA[T>C]CTGGCGATGTTGAATGCATGTTCCAGTCGTTGTGTGGCTGACTGCTGGCAAACCACACTA-3'
Protein context (NP_003997.2, residues 194-214): QRLEHAFNIA[Arg204=]YQLGIEKLLD

ClinVar aggregate classification (germline): Uncertain significance. Review status: criteria provided, multiple submitters, no conflicts (2 of 4 stars). 3 submissions from 3 submitters: Uncertain significance (2). 1 of the submissions does not count toward it. Last evaluated 2024-06-30.

Conditions:
Cardiovascular phenotype. Identifiers: MedGen CN230736.
Duchenne muscular dystrophy (DMD). Also called: MUSCULAR DYSTROPHY, PSEUDOHYPERTROPHIC PROGRESSIVE, DUCHENNE TYPE; Duchenne Muscular Dystrophy (DMD). Identifiers: Orphanet 98896, MedGen C0013264, MONDO:0010679, OMIM 310200.
Dystrophin deficiency.
Becker muscular dystrophy (BMD). Also called: MUSCULAR DYSTROPHY, PSEUDOHYPERTROPHIC PROGRESSIVE, BECKER TYPE; Becker Muscular Dystrophy (BMD). Identifiers: Orphanet 98895, MedGen C0917713, MONDO:0010311, OMIM 300376.
Cardiomyopathy (CMYO). Also called: Cardiomyopathies. Identifiers: Orphanet 167848, MedGen C0878544, MONDO:0004994, HP:0001638. Inheritance: Various modes of inheritance.

Submissions (3):

Labcorp Genetics (formerly Invitae), Labcorp
Classification: Uncertain significance for Duchenne muscular dystrophy. Last evaluated: 2024-06-30. Review status: criteria provided, single submitter. Criteria: Invitae Variant Classification Sherloc (09022015). Collection method: clinical testing. Allele origin: germline.
Comment: This sequence change affects codon 204 of the DMD mRNA. It is a 'silent' change, meaning that it does not change the encoded amino acid sequence of the DMD protein. This variant is not present in population databases (gnomAD no frequency). This variant has not been reported in the literature in individuals affected with DMD-related conditions. ClinVar contains an entry for this variant (Variation ID: 1008130). Algorithms developed to predict the effect of sequence changes on RNA splicing suggest that this variant may create or strengthen a splice site. In summary, the available evidence is currently insufficient to determine the role of this variant in disease. Therefore, it has been classified as a Variant of Uncertain Significance.

Ambry Genetics
Classification: Uncertain significance for Cardiovascular phenotype. Last evaluated: 2022-11-29. Review status: criteria provided, single submitter. Criteria: Ambry Variant Classification Scheme 2023. Collection method: clinical testing. Allele origin: germline.
Comment: The c.612A>G variant (also known as p.R204R), located in coding exon 7 of the DMD gene, results from an A to G substitution at nucleotide position 612. This nucleotide substitution does not change the arginine at codon 204. This nucleotide position is well conserved in available vertebrate species. In silico splice site analysis predicts that this alteration may weaken the native splice donor site and will result in the creation or strengthening of a novel splice donor site. Since supporting evidence is limited at this time, the clinical significance of this alteration remains unclear.

Natera, Inc.
Classification: Uncertain significance for Becker muscular dystrophy; Cardiomyopathy; Duchenne muscular dystrophy; Dystrophin deficiency. Last evaluated: 2020-05-10. Review status: no assertion criteria provided. Collection method: clinical testing. Allele origin: germline. Not counted in ClinVar's aggregate classification.